The following is an entry in ClinVar:

ClinVar aggregate classification (germline): Uncertain significance (1 of 4 stars; one submission).

Conditions:
Pyridoxal phosphate-responsive seizures (PNPOD). Also called: Pyridoxine-5'-phosphate oxidase deficiency; Pyridoxal 5'-Phosphate (PLP)-Dependent Epilepsy; EPILEPTIC ENCEPHALOPATHY, NEONATAL, PNPO-RELATED; SEIZURES, PYRIDOXINE-RESISTANT, PLP-SENSITIVE; Pyridoxamine 5-Prime-Phosphate Oxidase Deficiency. Identifiers: Orphanet 79096, MedGen C1864723, MONDO:0012407, OMIM 610090. Disease mechanism: loss of function.

Allele frequency attached by ClinVar (database versions not stated): TOPMed 0.00001.

Submission:

Labcorp Genetics (formerly Invitae), Labcorp
Classification: Uncertain significance for Pyridoxal phosphate-responsive seizures. Last evaluated: 2022-04-22. Review status: criteria provided, single submitter. Criteria: Invitae Variant Classification Sherloc (09022015). Collection method: clinical testing. Allele origin: germline.
Comment: This sequence change replaces alanine, which is neutral and non-polar, with valine, which is neutral and non-polar, at codon 169 of the PNPO protein (p.Ala169Val). This variant is not present in population databases (gnomAD no frequency). This variant has not been reported in the literature in individuals affected with PNPO-related conditions. Algorithms developed to predict the effect of missense changes on protein structure and function are either unavailable or do not agree on the potential impact of this missense change (SIFT: "Deleterious"; PolyPhen-2: "Possibly Damaging"; Align-GVGD: "Class C0"). In summary, the available evidence is currently insufficient to determine the role of this variant in disease. Therefore, it has been classified as a Variant of Uncertain Significance.

NM_018129.4(PNPO):c.506C>T (p.Ala169Val)

Gene: PNPO (pyridoxamine 5'-phosphate oxidase; plus strand). Cytogenetic location: 17q21.32.
Variant type: single nucleotide variant.
Coding change: c.506C>T on transcript NM_018129.4 (MANE Select); coding-DNA position 506, C replaced by T.
Protein change: p.Ala169Val; replaces alanine 169 with valine.
Molecular consequence: missense variant.
Genome position (GRCh38, 1-based): chr17:47,945,949, C>T. VCF-style: chr17-47945949-C-T. GRCh37 (hg19) VCF-style: chr17-46023315-C-T.
Other names: short protein forms A169V.
Identifiers: ClinVar variation 1358427 (VCV001358427.6), dbSNP rs1370405581, ClinGen allele CA400059263.